The following is an entry in ClinVar:

ClinVar aggregate classification (germline): Uncertain significance. Review status: criteria provided, single submitter (1 of 4 stars). 2 submissions from 2 submitters: Uncertain significance (1). 1 of the submissions does not count toward it. Last evaluated 2025-06-24.

Conditions:
Oocyte maturation defect 2 (OZEMA2). Also called: OOCYTE/ZYGOTE/EMBRYO MATURATION ARREST 2. Identifiers: MedGen C4225210, MONDO:0021573, OMIM 616780.

Submissions (2):

GeneDx
Classification: Uncertain significance. Last evaluated: 2025-06-24. Review status: criteria provided, single submitter. Criteria: GeneDx Variant Classification Process June 2021. Collection method: clinical testing. Allele origin: germline. Affected: yes.
Comment: Not observed at significant frequency in large population cohorts (gnomAD); In silico analysis supports that this missense variant has a deleterious effect on protein structure/function; This variant is associated with the following publications: (PMID: 32524331, 33009822)

Center for Reproductive Medicine, Shandong Provincial Hospital Affiliated to Shandong University
Classification: Likely pathogenic for Oocyte maturation defect 2. Last evaluated: 2020-08-31. Review status: no assertion criteria provided. Collection method: case-control. Allele origin: unknown. Affected: yes. Not counted in ClinVar's aggregate classification.

NM_177987.3(TUBB8):c.728C>T (p.Pro243Leu)

Gene: TUBB8 (tubulin beta 8 class VIII; minus strand). Cytogenetic location: 10p15.3.
Variant type: single nucleotide variant.
Coding change: c.728C>T on transcript NM_177987.3 (MANE Select); coding-DNA position 728, C replaced by T.
Protein change: p.Pro243Leu; replaces proline 243 with leucine.
Molecular consequence: missense variant.
Genome position (GRCh38, 1-based): chr10:47,664, G>A on the plus strand (C>T on the coding strand, the complement: TUBB8 is on the minus strand). VCF-style: chr10-47664-G-A. GRCh37 (hg19) VCF-style: chr10-93604-G-A.
Other names: c.728C>T (NM_177987.2); short protein forms P243L.
Identifiers: ClinVar variation 977668 (VCV000977668.2), dbSNP rs1834366416, ClinGen allele CA375817614.